The following is an entry in ClinVar:

NM_000051.4(ATM):c.7515+5G>A

Genes: ATM (ATM serine/threonine kinase; plus strand), C11orf65 (chromosome 11 open reading frame 65; minus strand). Cytogenetic location: 11q22.3.
Variant type: single nucleotide variant.
Coding change: c.7515+5G>A on transcript NM_000051.4 (MANE Select); 5 bases into the intron after coding-DNA position 7515, G replaced by A.
Molecular consequence: intron variant.
Genome position (GRCh38, 1-based): chr11:108,330,426, G>A. VCF-style: chr11-108330426-G-A. GRCh37 (hg19) VCF-style: chr11-108201153-G-A.
Other names: c.7515+5G>A (NM_001351834.2); c.641-21355C>T (NM_001330368.2); c.*38+4794C>T (NM_001351110.2).
Identifiers: ClinVar variation 453690 (VCV000453690.7), dbSNP rs1555123361, ClinGen allele CA645596421.
Genomic context (GRCh38, chr11:108,330,426, plus strand): 5'-TTTGTTCCCTCTGGCTTGAAAATTCTGGAGTTTCTGAAGTCAATGGCATGATGAAGGCAA[G>A]TGTTACTCAGCCCAATATTCTACCCTGTGCTTGAAAAACTTAGACATAAGCCCCTTGATG-3'

ClinVar aggregate classification (germline): Uncertain significance (1 of 4 stars; one submission).

Conditions:
Ataxia-telangiectasia syndrome (AT). Also called: LOUIS-BAR SYNDROME; Cerebello-oculocutaneous telangiectasia; Immunodeficiency with ataxia telangiectasia; Ataxia-telangiectasia, complementation group D; AT, COMPLEMENTATION GROUP C; Ataxia-telangiectasia, complementation group E. Identifiers: Orphanet 100, MedGen C0004135, MONDO:0008840, OMIM 208900.

Submission:

Labcorp Genetics (formerly Invitae), Labcorp
Classification: Uncertain significance for Ataxia-telangiectasia syndrome. Last evaluated: 2017-05-22. Review status: criteria provided, single submitter. Criteria: Invitae Variant Classification Sherloc (09022015). Collection method: clinical testing. Allele origin: germline.
Comment: In summary, this variant has uncertain impact on ATM function. The available evidence is currently insufficient to determine its role in disease. Therefore, it has been classified as a Variant of Uncertain Significance. Nucleotide substitutions within the consensus splice site are relatively common causes of aberrant splicing (PMID: 17576681, 9536098). Algorithms developed to predict the effect of sequence changes on RNA splicing suggest that this variant is not likely to affect RNA splicing, but this prediction has not been confirmed by published transcriptional studies. This variant has not been reported in the literature in individuals with an ATM-related disease. This variant is not present in population databases (ExAC no frequency). This sequence change falls in intron 50 of the ATM gene. It does not directly change the encoded amino acid sequence of the ATM protein, but it affects a nucleotide within the consensus splice site of the intron.

Literature cited by the submitters: PubMed 17576681; PubMed 9536098.